The following is an entry in ClinVar:

ClinVar aggregate classification (germline): Uncertain significance (1 of 4 stars; one submission).

Conditions:
Charcot-Marie-Tooth disease type 2. Also called: Charcot-Marie-Tooth type 2. Identifiers: Orphanet 64746, MedGen C0270914, MONDO:0018993.

Submission:

Labcorp Genetics (formerly Invitae), Labcorp
Classification: Uncertain significance for Charcot-Marie-Tooth disease type 2. Last evaluated: 2022-03-06. Review status: criteria provided, single submitter. Criteria: Invitae Variant Classification Sherloc (09022015). Collection method: clinical testing. Allele origin: germline.
Comment: In summary, the available evidence is currently insufficient to determine the role of this variant in disease. Therefore, it has been classified as a Variant of Uncertain Significance. Variants that disrupt the consensus splice site are a relatively common cause of aberrant splicing (PMID: 17576681, 9536098). Algorithms developed to predict the effect of sequence changes on RNA splicing suggest that this variant may disrupt the consensus splice site. This variant has not been reported in the literature in individuals affected with GARS-related conditions. This variant is not present in population databases (gnomAD no frequency). This sequence change falls in intron 12 of the GARS gene. It does not directly change the encoded amino acid sequence of the GARS protein. It affects a nucleotide within the consensus splice site.

Literature cited by the submitters: PubMed 17576681; PubMed 9536098.

NM_002047.4(GARS1):c.1613+3A>G

Gene: GARS1 (glycyl-tRNA synthetase 1; plus strand). Cytogenetic location: 7p14.3.
Variant type: single nucleotide variant.
Coding change: c.1613+3A>G on transcript NM_002047.4 (MANE Select); 3 bases into the intron after coding-DNA position 1613, A replaced by G.
Molecular consequence: intron variant.
Genome position (GRCh38, 1-based): chr7:30,622,465, A>G. VCF-style: chr7-30622465-A-G. GRCh37 (hg19) VCF-style: chr7-30662081-A-G.
Other names: c.1451+3A>G (NM_001316772.1).
Identifiers: ClinVar variation 1950581 (VCV001950581.5), dbSNP rs2534321658, ClinGen allele CA2580077109.